The following is an entry in ClinVar:

NM_000284.4(PDHA1):c.899+2T>A

Gene: PDHA1 (pyruvate dehydrogenase E1 subunit alpha 1; plus strand). Cytogenetic location: Xp22.12.
Variant type: single nucleotide variant.
Coding change: c.899+2T>A on transcript NM_000284.4 (MANE Select); the canonical splice donor site of the intron after coding-DNA position 899, T replaced by A.
Molecular consequence: splice donor variant.
Genome position (GRCh38, 1-based): chrX:19,357,721, T>A. VCF-style: chrX-19357721-T-A. GRCh37 (hg19) VCF-style: chrX-19375839-T-A.
Other names: NC_000023.10:g.19375839T>A; c.1013+2T>A (NM_001173454.2); c.920+2T>A (NM_001173455.2); c.806+2T>A (NM_001173456.2).
Identifiers: ClinVar variation 1028668 (VCV001028668.3), dbSNP rs2063213491, ClinGen allele CA412395297.

ClinVar aggregate classification (germline): Pathogenic. Review status: criteria provided, multiple submitters, no conflicts (2 of 4 stars). 2 submissions from 2 submitters: Pathogenic (2). Last evaluated 2025-08-25.

Conditions:
Pyruvate dehydrogenase E1-alpha deficiency (PDHAD). Also called: ATAXIA, INTERMITTENT, WITH PYRUVATE DEHYDROGENASE DEFICIENCY; ATAXIA WITH LACTIC ACIDOSIS I; ATAXIA, INTERMITTENT, WITH ABNORMAL PYRUVATE METABOLISM; Ataxia, intermittent, with pyruvate dehydrogenase, or decarboxylase, deficiency. Identifiers: Orphanet 79243, MedGen C1839413, MONDO:0010717, OMIM 312170.

Submissions (3):

Daryl Scott Lab, Baylor College of Medicine
Classification: Pathogenic for Pyruvate dehydrogenase E1-alpha deficiency. Last evaluated: 2025-08-25. Review status: criteria provided, single submitter. Criteria: ACMG Guidelines, 2015. Collection method: clinical testing. Allele origin: de novo. Affected: yes. Observed: 1 heterozygote.
Comment: PVS1, PS2, PM2

Baylor Genetics
Classification: Pathogenic for Pyruvate dehydrogenase E1-alpha deficiency. Last evaluated: 2019-09-09. Review status: criteria provided, single submitter. Criteria: ACMG Guidelines, 2015. Collection method: clinical testing. Allele origin: de novo. Affected: yes.
Comment: This variant was determined to be pathogenic according to ACMG Guidelines, 2015 [PMID:25741868].

Dr. Peter K. Rogan Lab, Western University
No classification provided (evidence only). Condition: Nonpapillary renal cell carcinoma. Review status: no classification provided. Collection method: in vitro. Allele origin: not applicable. Functional consequence: retained intron. Not counted in ClinVar's aggregate classification.